The following is an entry in ClinVar:

NM_003482.4(KMT2D):c.11839C>T (p.Gln3947Ter)

Gene: KMT2D (lysine methyltransferase 2D; minus strand). Cytogenetic location: 12q13.12.
Variant type: single nucleotide variant.
Coding change: c.11839C>T on transcript NM_003482.4 (MANE Select); coding-DNA position 11839, C replaced by T.
Protein change: p.Gln3947Ter; replaces glutamine 3947 with a stop codon.
Molecular consequence: nonsense.
Genome position (GRCh38, 1-based): chr12:49,032,866, G>A on the plus strand (C>T on the coding strand, the complement: KMT2D is on the minus strand). VCF-style: chr12-49032866-G-A. GRCh37 (hg19) VCF-style: chr12-49426649-G-A.
Other names: short protein forms Q3947*.
Identifiers: ClinVar variation 4884403 (VCV004884403.1).

ClinVar aggregate classification (germline): Likely pathogenic (1 of 4 stars; one submission).

Conditions:
Kabuki syndrome 1 (KABUK1). Also called: KMT2D-Related Kabuki Syndrome. Identifiers: Orphanet 2322, MedGen CN030661, MONDO:0007843, OMIM 147920.

Submission:

Division of Genetic & Genomic Pathology, Hong Kong Children's Hospital
Classification: Likely pathogenic for Kabuki syndrome 1. Last evaluated: 2024-07-25. Review status: criteria provided, single submitter. Criteria: ACMG Guidelines, 2015. Collection method: clinical testing. Allele origin: germline. Affected: yes.
Comment: The KMT2D c.11839C>T p.(Gln3947Ter) nonsense variant is located in exon 40 out of 55 exons. It is predicted to cause loss of normal protein function by nonsense-mediated mRNA decay, and loss of function is a known mechanism of disease. This variant is absent in population control database (gnomAD v4.1.0) and clinical databases (ClinVar and HGMD Professional 2024.2). Numerous downstream truncating variants have been reported to be pathogenic for Kabuki syndrome. For these reasons, this variant is classified as likely pathogenic.